The following is an entry in ClinVar:

ClinVar aggregate classification (germline): Uncertain significance (1 of 4 stars; one submission).

Submission:

Labcorp Genetics (formerly Invitae), Labcorp
Classification: Uncertain significance. Last evaluated: 2022-08-08. Review status: criteria provided, single submitter. Criteria: Invitae Variant Classification Sherloc (09022015). Collection method: clinical testing. Allele origin: germline.
Comment: This sequence change replaces serine, which is neutral and polar, with phenylalanine, which is neutral and non-polar, at codon 274 of the PDE6B protein (p.Ser274Phe). This variant is not present in population databases (gnomAD no frequency). This variant has not been reported in the literature in individuals affected with PDE6B-related conditions. Algorithms developed to predict the effect of missense changes on protein structure and function (SIFT, PolyPhen-2, Align-GVGD) all suggest that this variant is likely to be disruptive. In summary, the available evidence is currently insufficient to determine the role of this variant in disease. Therefore, it has been classified as a Variant of Uncertain Significance.

NM_000283.4(PDE6B):c.821C>T (p.Ser274Phe)

Genes: PDE6B (phosphodiesterase 6B; plus strand), PDE6B-AS1 (PDE6B antisense RNA 1; minus strand). Cytogenetic location: 4p16.3.
Variant type: single nucleotide variant.
Coding change: c.821C>T on transcript NM_000283.4 (MANE Select); coding-DNA position 821, C replaced by T.
Protein change: p.Ser274Phe; replaces serine 274 with phenylalanine.
Molecular consequence: missense variant. On other transcripts: 5 prime UTR variant (5).
Genome position (GRCh38, 1-based): chr4:653,961, C>T. VCF-style: chr4-653961-C-T. GRCh37 (hg19) VCF-style: chr4-647750-C-T.
Other names: c.821C>T, p.Ser274Phe (NM_001145291.2); c.-17C>T (NM_001145292.2, NM_001350154.3, NM_001379246.1 and 1 more transcripts); c.-220C>T (NM_001350155.3); short protein forms S274F.
Identifiers: ClinVar variation 1715693 (VCV001715693.6), dbSNP rs2474180094, ClinGen allele CA355911447.
Genomic context (GRCh38, chr4:653,961, plus strand): 5'-AGAGGCAGTTCCACAAGGCCTTCTACACGGTGCGGGCCTACCTCAACTGCGAGCGGTACT[C>T]CGTGGGCCTCCTGGACATGACCAAGGAGAAGGTGAGGCTTCCGTGGCTCAGGGACCCCCT-3'
Protein context (NP_000274.3, residues 264-284): VRAYLNCERY[Ser274Phe]VGLLDMTKEK